The following is an entry in ClinVar:

NM_005188.4(CBL):c.2569C>G (p.Leu857Val)

Gene: CBL (Cbl proto-oncogene; plus strand). Cytogenetic location: 11q23.3.
Variant type: single nucleotide variant.
Coding change: c.2569C>G on transcript NM_005188.4 (MANE Select); coding-DNA position 2569, C replaced by G.
Protein change: p.Leu857Val; replaces leucine 857 with valine.
Molecular consequence: missense variant.
Genome position (GRCh38, 1-based): chr11:119,299,629, C>G. VCF-style: chr11-119299629-C-G. GRCh37 (hg19) VCF-style: chr11-119170339-C-G.
Other names: short protein forms L857V.
Identifiers: ClinVar variation 4868227 (VCV004868227.2).
Genomic context (GRCh38, chr11:119,299,629, plus strand): 5'-GCTGGCAGCTGTCAGCAAGGTAGTGGTCCTGCCGCCTCTGCTGCCACCGCCTCACCTCAG[C>G]TCTCCAGTGAGATCGAGAACCTCATGAGTCAGGGGTACTCCTACCAGGACATCCAGAAAG-3'
Protein context (NP_005179.2, residues 847-867): AASAATASPQ[Leu857Val]SSEIENLMSQ

ClinVar aggregate classification (germline): Uncertain significance. Review status: criteria provided, multiple submitters, no conflicts (2 of 4 stars). 2 submissions from 2 submitters: Uncertain significance (2). Last evaluated 2026-04-16.

Conditions:
Cardiovascular phenotype. Identifiers: MedGen CN230736.
CBL-related disorder. Also called: NOONAN SYNDROME-LIKE DISORDER WITHOUT JUVENILE MYELOMONOCYTIC LEUKEMIA; CBL MUTATION-ASSOCIATED SYNDROME; CBL SYNDROME. Identifiers: Orphanet 363972, MedGen C3150803, MONDO:0013308, OMIM 613563.

gnomAD v4.1: 1 of 1,614,242 alleles (0.000062%); highest among the groups gnomAD compares: Non-Finnish European, 0.000085%; no homozygotes.

Submissions (2):

Ambry Genetics
Classification: Uncertain significance for Cardiovascular phenotype. Last evaluated: 2026-04-16. Review status: criteria provided, single submitter. Criteria: Ambry Variant Classification Scheme 2023. Collection method: clinical testing. Allele origin: germline.
Comment: The p.L857V variant (also known as c.2569C>G), located in coding exon 16 of the CBL gene, results from a C to G substitution at nucleotide position 2569. The leucine at codon 857 is replaced by valine, an amino acid with highly similar properties. This amino acid position is conserved. In addition, this alteration is predicted to be tolerated by in silico analysis. Based on the available evidence, the clinical significance of this variant remains unclear.

Victorian Clinical Genetics Services, Murdoch Childrens Research Institute
Classification: Uncertain significance for CBL-related disorder. Last evaluated: 2026-02-16. Review status: criteria provided, single submitter. Criteria: ACMG Guidelines, 2015. Collection method: clinical testing. Allele origin: germline. Affected: yes.
Comment: This variant is classified as VUS-3C. Evidence in support of pathogenic classification: Variant is present in gnomAD <0.001 for a dominant condition (v4: 1 heterozygote(s), 0 homozygote(s)). Evidence in support of benign classification: Another missense variant(s) comparable to the one identified in this case has previous evidence for being BENIGN. p.(Leu857Phe) has been classified as benign/likely benign by clinical laboratories in ClinVar. Additional information: Variant is predicted to result in a missense amino acid change from Leu to Val; This variant is heterozygous; This gene is associated with autosomal dominant disease; Alternative amino acid change(s) at the same position are present in gnomAD (highest allele count: v4: 55 heterozygote(s), 0 homozygote(s)); This variant has no previous evidence of pathogenicity; No published evidence of segregation with disease has been identified for this variant; No published functional evidence has been identified for this variant; Variant is located in the annotated UBA domain (UniProt); Missense variant with inconclusive in silico prediction and/or uninformative conservation; The mechanism of disease for this gene is not clearly established. However, dominant negative is a likely mechanism of disease (PMID: 20619386, 20694012); Variants in this gene are known to have variable expressivity. Germline CBL pathogenic variants are associated with phenotypic heterogeneity and variable expressivity (PMID: 25952305); Inheritance information for this variant is not currently available in this individual.

Literature cited by the submitters: PubMed 20619386 (cited by Victorian Clinical Genetics Services, Murdoch Childrens Research Institute); PubMed 25952305 (cited by Victorian Clinical Genetics Services, Murdoch Childrens Research Institute); PubMed 20694012 (cited by Victorian Clinical Genetics Services, Murdoch Childrens Research Institute).